The following is an entry in ClinVar:

NM_014855.3(AP5Z1):c.1534C>G (p.Pro512Ala)

Gene: AP5Z1 (adaptor related protein complex 5 subunit zeta 1; plus strand). Cytogenetic location: 7p22.1.
Variant type: single nucleotide variant.
Coding change: c.1534C>G on transcript NM_014855.3 (MANE Select); coding-DNA position 1534, C replaced by G.
Protein change: p.Pro512Ala; replaces proline 512 with alanine.
Molecular consequence: missense variant. On other transcripts: non-coding transcript variant (1).
Genome position (GRCh38, 1-based): chr7:4,788,233, C>G. VCF-style: chr7-4788233-C-G. GRCh37 (hg19) VCF-style: chr7-4827864-C-G.
Other names: c.1066C>G, p.Pro356Ala (NM_001364858.1); short protein forms P356A, P512A.
Identifiers: ClinVar variation 2009685 (VCV002009685.4), dbSNP rs2534065091, ClinGen allele CA366663266.

ClinVar aggregate classification (germline): Uncertain significance (1 of 4 stars; one submission).

Conditions:
Hereditary spastic paraplegia 48. Also called: SPASTIC PARAPLEGIA 48, AUTOSOMAL RECESSIVE; Spastic paraplegia 48. Identifiers: Orphanet 306511, MedGen C3150901, MONDO:0013342, OMIM 613647.

Submission:

Labcorp Genetics (formerly Invitae), Labcorp
Classification: Uncertain significance for Hereditary spastic paraplegia 48. Last evaluated: 2025-02-17. Review status: criteria provided, single submitter. Criteria: Invitae Variant Classification Sherloc (09022015). Collection method: clinical testing. Allele origin: germline.
Comment: This sequence change replaces proline, which is neutral and non-polar, with alanine, which is neutral and non-polar, at codon 512 of the AP5Z1 protein (p.Pro512Ala). This variant is not present in population databases (gnomAD no frequency). This variant has not been reported in the literature in individuals affected with AP5Z1-related conditions. ClinVar contains an entry for this variant (Variation ID: 2009685). Invitae Evidence Modeling of protein sequence and biophysical properties (such as structural, functional, and spatial information, amino acid conservation, physicochemical variation, residue mobility, and thermodynamic stability) indicates that this missense variant is not expected to disrupt AP5Z1 protein function with a negative predictive value of 80%. In summary, the available evidence is currently insufficient to determine the role of this variant in disease. Therefore, it has been classified as a Variant of Uncertain Significance.